The following is an entry in ClinVar:

ClinVar aggregate classification (germline): Uncertain significance. Review status: criteria provided, multiple submitters, no conflicts (2 of 4 stars). 2 submissions from 2 submitters: Uncertain significance (2). Last evaluated 2026-01-25.

Conditions:
Hereditary cancer-predisposing syndrome. Also called: Tumor predisposition; Neoplastic Syndromes, Hereditary; Hereditary Cancer Syndrome; Hereditary neoplastic syndrome. Identifiers: Orphanet 140162, MedGen C0027672, MeSH D009386, MONDO:0015356.

Allele frequency attached by ClinVar (database versions not stated): gnomAD exomes below 0.00001.
gnomAD v4.1: 1 of 1,606,756 alleles (0.000062%); highest among the groups gnomAD compares: South Asian, 0.0011%; no homozygotes.

Submissions (2):

Ambry Genetics
Classification: Uncertain significance for Hereditary cancer-predisposing syndrome. Last evaluated: 2026-01-25. Review status: criteria provided, single submitter. Criteria: Ambry Variant Classification Scheme 2023. Collection method: clinical testing. Allele origin: germline.
Comment: The p.I20M variant (also known as c.60C>G), located in coding exon 1 of the CTNNA1 gene, results from a C to G substitution at nucleotide position 60. The isoleucine at codon 20 is replaced by methionine, an amino acid with highly similar properties. This amino acid position is conserved. In addition, the in silico prediction for this alteration is inconclusive. Based on the available evidence, the clinical significance of this variant remains unclear.

Labcorp Genetics (formerly Invitae), Labcorp
Classification: Uncertain significance. Last evaluated: 2023-08-02. Review status: criteria provided, single submitter. Criteria: Invitae Variant Classification Sherloc (09022015). Collection method: clinical testing. Allele origin: germline.
Comment: This variant is not present in population databases (gnomAD no frequency). This sequence change replaces isoleucine, which is neutral and non-polar, with methionine, which is neutral and non-polar, at codon 20 of the CTNNA1 protein (p.Ile20Met). This variant has not been reported in the literature in individuals affected with CTNNA1-related conditions. Advanced modeling of protein sequence and biophysical properties (such as structural, functional, and spatial information, amino acid conservation, physicochemical variation, residue mobility, and thermodynamic stability) has been performed at Invitae for this missense variant, however the output from this modeling did not meet the statistical confidence thresholds required to predict the impact of this variant on CTNNA1 protein function. In summary, the available evidence is currently insufficient to determine the role of this variant in disease. Therefore, it has been classified as a Variant of Uncertain Significance.

NM_001903.5(CTNNA1):c.60C>G (p.Ile20Met)

Gene: CTNNA1 (catenin alpha 1; plus strand). Cytogenetic location: 5q31.2.
Variant type: single nucleotide variant.
Coding change: c.60C>G on transcript NM_001903.5 (MANE Select); coding-DNA position 60, C replaced by G.
Protein change: p.Ile20Met; replaces isoleucine 20 with methionine.
Molecular consequence: missense variant. On other transcripts: 5 prime UTR variant (2).
Genome position (GRCh38, 1-based): chr5:138,781,984, C>G. VCF-style: chr5-138781984-C-G. GRCh37 (hg19) VCF-style: chr5-138117673-C-G.
Other names: c.60C>G (NM_001903.2); c.60C>G, p.Ile20Met (NM_001290307.3, NM_001323982.2, NM_001323983.1 and 3 more transcripts); c.-54C>G (NM_001290309.3); c.-147C>G (NM_001290310.3); short protein forms I20M.
Identifiers: ClinVar variation 2900212 (VCV002900212.4), dbSNP rs1249272168, ClinGen allele CA361477152.
Genomic context (GRCh38, chr5:138,781,984, plus strand): 5'-AATGACTGCTGTCCATGCAGGCAACATAAACTTCAAGTGGGATCCTAAAAGTCTAGAGAT[C>G]AGGACTCTGGCAGTTGAGAGACTGTTGGAGCCTCTTGTTACACAGGTAAGAATCTGAAAA-3'
Protein context (NP_001894.2, residues 10-30): NFKWDPKSLE[Ile20Met]RTLAVERLLE